The following is an entry in ClinVar:

NC_000003.11:g.(?_154832763)_(154832964_?)del

Gene: MME (membrane metalloendopeptidase; plus strand). Cytogenetic location: 3q25.2.
Variant type: Deletion.
Identifiers: ClinVar variation 1433411 (VCV001433411.5).

ClinVar aggregate classification (germline): Uncertain significance (1 of 4 stars; one submission).

Submission:

Labcorp Genetics (formerly Invitae), Labcorp
Classification: Uncertain significance. Last evaluated: 2021-08-12. Review status: criteria provided, single submitter. Criteria: Invitae Variant Classification Sherloc (09022015). Collection method: clinical testing. Allele origin: germline.
Comment: This variant is a gross deletion of the genomic region encompassing exon(s) 4 of the MME gene. This variant would be expected to be in-frame, preserving the integrity of the reading frame. This variant has not been reported in the literature in individuals affected with MME-related conditions. Experimental studies and prediction algorithms are not available or were not evaluated, and the functional significance of this variant is currently unknown. In summary, the available evidence is currently insufficient to determine the role of this variant in disease. Therefore, it has been classified as a Variant of Uncertain Significance.